The following is an entry in ClinVar:

ClinVar aggregate classification (germline): Benign (1 of 4 stars; one submission).

Conditions:
SEPN1-related disorder. Also called: SEPN1-Related Disorders. Identifiers: MedGen CN239420.

Allele frequency attached by ClinVar (database versions not stated): 1000 Genomes Project 30x 0.00219; gnomAD 0.00164 and 0.00167; TOPMed 0.00193; 1000 Genomes Project 0.00240.

Submission:

Illumina Laboratory Services, Illumina
Classification: Benign for SEPN1-Related Disorders. Last evaluated: 2017-04-27. Review status: criteria provided, single submitter. Criteria: ICSL Variant Classification Criteria 13 December 2019. Collection method: clinical testing. Allele origin: germline.
Comment: This variant was observed as part of a predisposition screen in an ostensibly healthy population. A literature search was performed for the gene, cDNA change, and amino acid change (where applicable). No publications were found based on this search. Allele frequency data from public databases was too high to be consistent with this variant causing disease. Therefore, this variant is classified as benign.

NM_206926.2(SELENON):c.*2130C>T

Gene: SELENON (selenoprotein N; plus strand). Cytogenetic location: 1p36.11.
Variant type: single nucleotide variant.
Coding change: c.*2130C>T on transcript NM_206926.2 (MANE Select); 2130 bases downstream of the stop codon, C replaced by T.
Molecular consequence: 3 prime UTR variant.
Genome position (GRCh38, 1-based): chr1:25,817,848, C>T. VCF-style: chr1-25817848-C-T. GRCh37 (hg19) VCF-style: chr1-26144339-C-T.
Other names: c.*2130C>T (NM_020451.3).
Identifiers: ClinVar variation 876481 (VCV000876481.4), dbSNP rs79324169, ClinGen allele CA19699459.